The following is an entry in ClinVar:

NM_016284.5(CNOT1):c.2561G>A (p.Arg854Gln)

Gene: CNOT1 (CCR4-NOT transcription complex subunit 1; minus strand). Cytogenetic location: 16q21.
Variant type: single nucleotide variant.
Coding change: c.2561G>A on transcript NM_016284.5 (MANE Select); coding-DNA position 2561, G replaced by A.
Protein change: p.Arg854Gln; replaces arginine 854 with glutamine.
Molecular consequence: missense variant. On other transcripts: non-coding transcript variant (1).
Genome position (GRCh38, 1-based): chr16:58,555,827, C>T on the plus strand (G>A on the coding strand, the complement: CNOT1 is on the minus strand). VCF-style: chr16-58555827-C-T. GRCh37 (hg19) VCF-style: chr16-58589731-C-T.
Other names: c.2546G>A, p.Arg849Gln (NM_001265612.2); c.2561G>A, p.Arg854Gln (NM_206999.3); short protein forms R854Q, R849Q.
Identifiers: ClinVar variation 4762741 (VCV004762741.1).

ClinVar aggregate classification (germline): Uncertain significance (1 of 4 stars; one submission).

gnomAD v4.1: 10 of 1,613,858 alleles (0.00062%); highest among the groups gnomAD compares: Non-Finnish European, 0.00076%; no homozygotes.

Submission:

Labcorp Genetics (formerly Invitae), Labcorp
Classification: Uncertain significance. Last evaluated: 2025-04-23. Review status: criteria provided, single submitter. Criteria: Invitae Variant Classification Sherloc (09022015). Collection method: clinical testing. Allele origin: germline.
Comment: This sequence change replaces arginine, which is basic and polar, with glutamine, which is neutral and polar, at codon 849 of the CNOT1 protein (p.Arg849Gln). This variant is present in population databases (no rsID available, gnomAD 0.007%). This variant has not been reported in the literature in individuals affected with CNOT1-related conditions. An algorithm developed to predict the effect of missense changes on protein structure and function (PolyPhen-2) suggests that this variant is likely to be disruptive. In summary, the available evidence is currently insufficient to determine the role of this variant in disease. Therefore, it has been classified as a Variant of Uncertain Significance.